The following is an entry in ClinVar:

ClinVar aggregate classification (germline): Conflicting classifications of pathogenicity. Review status: criteria provided, conflicting classifications (1 of 4 stars). 5 submissions from 1 submitter: Uncertain significance (3); Likely benign (2). Last evaluated 2018-01-13.

Conditions:
Dilated cardiomyopathy 1G (CMD1G). Identifiers: Orphanet 154, MedGen C1858763, MONDO:0011400, OMIM 604145.
Early-onset myopathy with fatal cardiomyopathy (CMYO5). Also called: CONGENITAL MYOPATHY 5 WITH CARDIOMYOPATHY; Salih Myopathy. Identifiers: Orphanet 289377, MedGen C2673677, MONDO:0012714, OMIM 611705. Disease mechanism: loss of function.
Myopathy, myofibrillar, 9, with early respiratory failure (MFM9). Also called: Myopathy, distal, with early respiratory failure, autosomal dominant; Hereditary myopathy with early respiratory failure; EDSTROM MYOPATHY; MYOPATHY, PROXIMAL, WITH EARLY RESPIRATORY MUSCLE INVOLVEMENT. Identifiers: Orphanet 178464, Orphanet 34521, MedGen C1863599, MONDO:0011362, OMIM 603689.
Tibial muscular dystrophy (TMD). Also called: Udd Distal Myopathy – Tibial Muscular Dystrophy; UDD MYOPATHY; Tibial muscular dystrophy, tardive. Identifiers: Orphanet 609, MedGen C1838244, MONDO:0010870, OMIM 600334.
Autosomal recessive limb-girdle muscular dystrophy type 2J (LGMDR10). Also called: MUSCULAR DYSTROPHY, LIMB-GIRDLE, AUTOSOMAL RECESSIVE 10; Limb-girdle muscular dystrophy, type 2J. Identifiers: Orphanet 140922, MedGen C1837342, MONDO:0012127, OMIM 608807.

Allele frequency attached by ClinVar (database versions not stated): gnomAD below 0.00001 and 0.00001; gnomAD exomes 0.00002 and 0.00003; ExAC 0.00004.
gnomAD v4.1: 30 of 1,601,702 alleles (0.0019%); highest among the groups gnomAD compares: South Asian, 0.033%; no homozygotes.

Submissions (5):

Illumina Laboratory Services, Illumina
Classification: Uncertain significance for Early-onset myopathy with fatal cardiomyopathy. Last evaluated: 2018-01-13. Review status: criteria provided, single submitter. Criteria: ICSL Variant Classification Criteria 13 December 2019. Collection method: clinical testing. Allele origin: germline.

Illumina Laboratory Services, Illumina
Classification: Likely benign for Myopathy, myofibrillar, 9, with early respiratory failure. Last evaluated: 2018-01-13. Review status: criteria provided, single submitter. Criteria: ICSL Variant Classification Criteria 13 December 2019. Collection method: clinical testing. Allele origin: germline.
Comment: This variant was observed in the ICSL laboratory as part of a predisposition screen in an ostensibly healthy population. It had not been previously curated by ICSL or reported in the Human Gene Mutation Database (HGMD: prior to June 1st, 2018), and was therefore a candidate for classification through an automated scoring system. Utilizing variant allele frequency, disease prevalence and penetrance estimates, and inheritance mode, an automated score was calculated to assess if this variant is too frequent to cause the disease. Based on the score and internal cut-off values, a variant classified as likely benign is not then subjected to further curation. The score for this variant resulted in a classification of likely benign for this disease.

Illumina Laboratory Services, Illumina
Classification: Uncertain significance for Dilated cardiomyopathy 1G. Last evaluated: 2018-01-13. Review status: criteria provided, single submitter. Criteria: ICSL Variant Classification Criteria 13 December 2019. Collection method: clinical testing. Allele origin: germline.

Illumina Laboratory Services, Illumina
Classification: Uncertain significance for Autosomal recessive limb-girdle muscular dystrophy type 2J. Last evaluated: 2018-01-13. Review status: criteria provided, single submitter. Criteria: ICSL Variant Classification Criteria 13 December 2019. Collection method: clinical testing. Allele origin: germline.

Illumina Laboratory Services, Illumina
Classification: Likely benign for Tibial muscular dystrophy. Last evaluated: 2018-01-13. Review status: criteria provided, single submitter. Criteria: ICSL Variant Classification Criteria 13 December 2019. Collection method: clinical testing. Allele origin: germline.
Comment: the same text as in the submission from Illumina Laboratory Services, Illumina above.

NM_001267550.2(TTN):c.66772C>T (p.Pro22258Ser)

Genes: TTN (titin; minus strand), TTN-AS1 (TTN antisense RNA 1; plus strand). Cytogenetic location: 2q31.2.
Variant type: single nucleotide variant.
Coding change: c.66772C>T on transcript NM_001267550.2 (MANE Select); coding-DNA position 66772, C replaced by T.
Protein change: p.Pro22258Ser; replaces proline 22258 with serine.
Molecular consequence: missense variant.
Genome position (GRCh38, 1-based): chr2:178,580,607, G>A on the plus strand (C>T on the coding strand, the complement: TTN is on the minus strand). VCF-style: chr2-178580607-G-A. GRCh37 (hg19) VCF-style: chr2-179445334-G-A.
Other names: c.61849C>T, p.Pro20617Ser (NM_001256850.1); c.39577C>T, p.Pro13193Ser (NM_003319.4); c.59068C>T, p.Pro19690Ser (NM_133378.4); c.39952C>T, p.Pro13318Ser (NM_133432.3); c.40153C>T, p.Pro13385Ser (NM_133437.4); short protein forms P19690S, P22258S, P13385S, P20617S, P13193S, P13318S.
Identifiers: ClinVar variation 332801 (VCV000332801.5), dbSNP rs781220405, ClinGen allele CA1991433.